The following is an entry in ClinVar:

NM_025114.4(CEP290):c.1142A>G (p.Asn381Ser)

Gene: CEP290 (centrosomal protein 290; minus strand). Cytogenetic location: 12q21.32.
Variant type: single nucleotide variant.
Coding change: c.1142A>G on transcript NM_025114.4 (MANE Select); coding-DNA position 1142, A replaced by G.
Protein change: p.Asn381Ser; replaces asparagine 381 with serine.
Molecular consequence: missense variant.
Genome position (GRCh38, 1-based): chr12:88,125,293, T>C on the plus strand (A>G on the coding strand, the complement: CEP290 is on the minus strand). VCF-style: chr12-88125293-T-C. GRCh37 (hg19) VCF-style: chr12-88519070-T-C.
Other names: short protein forms N381S.
Identifiers: ClinVar variation 881057 (VCV000881057.10), dbSNP rs1295338042, ClinGen allele CA385981245.

ClinVar aggregate classification (germline): Uncertain significance. Review status: criteria provided, multiple submitters, no conflicts (2 of 4 stars). 8 submissions from 4 submitters: Uncertain significance (7). 1 of the submissions does not count toward it. Last evaluated 2024-12-31.

Conditions:
Leber congenital amaurosis (LCA). Also called: Leber's amaurosis. Identifiers: Orphanet 65, MedGen C0339527, MeSH D057130, MONDO:0018998.
CEP290-related disorder. Also called: CEP290-related condition; CEP290-related disorders. Identifiers: MedGen CN239314.
Meckel-Gruber syndrome. Also called: Dysencephalia splachnocystica; DYSENCEPHALIA SPLANCHNOCYSTICA; GRUBER SYNDROME. Identifiers: Orphanet 564, MedGen C0265215, MONDO:0018921.
Nephronophthisis. Also called: Juvenile Nephronophthisis. Identifiers: Orphanet 655, MedGen C0687120, MONDO:0019005, HP:0000090.
Joubert syndrome. Also called: JOUBERT-BOLTSHAUSER SYNDROME; Familial aplasia of the vermis. Identifiers: Orphanet 475, MedGen C5979921, MONDO:0018772.
Meckel syndrome, type 4 (MKS4). Also called: MECKEL-GRUBER SYNDROME, TYPE 4. Identifiers: Orphanet 564, MedGen C1970161, MONDO:0012626, OMIM 611134.
Bardet-Biedl syndrome 14 (BBS14). Identifiers: Orphanet 110, MedGen C2673874, MONDO:0014442, OMIM 615991.
Leber congenital amaurosis 10 (LCA10). Identifiers: Orphanet 65, MedGen C1857821, MONDO:0012723, OMIM 611755.
Senior-Loken syndrome 6 (SLSN6). Identifiers: Orphanet 3156, MedGen C1857779, MONDO:0012433, OMIM 610189.
Joubert syndrome 5 (JBTS5). Identifiers: Orphanet 2318, MedGen C1857780, MONDO:0012432, OMIM 610188.

Allele frequency attached by ClinVar (database versions not stated): gnomAD below 0.00001 and 0.00001; gnomAD exomes 0.00001; TOPMed 0.00003.
gnomAD v4.1: 5 of 1,144,906 alleles (0.00044%); highest among the groups gnomAD compares: South Asian, 0.0047%; no homozygotes.

Submissions (8):

PreventionGenetics, part of Exact Sciences
Classification: Uncertain significance for CEP290-related condition. Last evaluated: 2024-12-31. Review status: criteria provided, single submitter. Criteria: ACMG Guidelines, 2015. Collection method: clinical testing. Allele origin: germline.
Comment: The CEP290 c.1142A>G variant is predicted to result in the amino acid substitution p.Asn381Ser. To our knowledge, this variant has not been reported in the literature. This variant is reported in 0.0027% of alleles in individuals of European (Non-Finnish) descent in gnomAD. At this time, the clinical significance of this variant is uncertain due to the absence of conclusive functional and genetic evidence.

Labcorp Genetics (formerly Invitae), Labcorp
Classification: Uncertain significance for Joubert syndrome; Meckel-Gruber syndrome; Nephronophthisis. Last evaluated: 2021-08-30. Review status: criteria provided, single submitter. Criteria: Invitae Variant Classification Sherloc (09022015). Collection method: clinical testing. Allele origin: germline.
Comment: This sequence change replaces asparagine with serine at codon 381 of the CEP290 protein (p.Asn381Ser). The asparagine residue is moderately conserved and there is a small physicochemical difference between asparagine and serine. This variant is not present in population databases (ExAC no frequency). This variant has not been reported in the literature in individuals affected with CEP290-related conditions. Algorithms developed to predict the effect of missense changes on protein structure and function (SIFT, PolyPhen-2, Align-GVGD) all suggest that this variant is likely to be tolerated. In summary, the available evidence is currently insufficient to determine the role of this variant in disease. Therefore, it has been classified as a Variant of Uncertain Significance.

Illumina Laboratory Services, Illumina
Classification: Uncertain significance for Joubert syndrome 5. Last evaluated: 2017-04-27. Review status: criteria provided, single submitter. Criteria: ICSL Variant Classification Criteria 13 December 2019. Collection method: clinical testing. Allele origin: germline.

Illumina Laboratory Services, Illumina
Classification: Uncertain significance for Senior-Loken syndrome 6. Last evaluated: 2017-04-27. Review status: criteria provided, single submitter. Criteria: ICSL Variant Classification Criteria 13 December 2019. Collection method: clinical testing. Allele origin: germline.

Illumina Laboratory Services, Illumina
Classification: Uncertain significance for Meckel syndrome, type 4. Last evaluated: 2017-04-27. Review status: criteria provided, single submitter. Criteria: ICSL Variant Classification Criteria 13 December 2019. Collection method: clinical testing. Allele origin: germline.

Illumina Laboratory Services, Illumina
Classification: Uncertain significance for Leber congenital amaurosis 10. Last evaluated: 2017-04-27. Review status: criteria provided, single submitter. Criteria: ICSL Variant Classification Criteria 13 December 2019. Collection method: clinical testing. Allele origin: germline.

Illumina Laboratory Services, Illumina
Classification: Uncertain significance for Bardet-Biedl syndrome 14. Last evaluated: 2017-04-27. Review status: criteria provided, single submitter. Criteria: ICSL Variant Classification Criteria 13 December 2019. Collection method: clinical testing. Allele origin: germline.

Natera, Inc.
Classification: Uncertain significance for Leber congenital amaurosis. Last evaluated: 2021-04-05. Review status: no assertion criteria provided. Collection method: clinical testing. Allele origin: germline. Not counted in ClinVar's aggregate classification.